The following is an entry in ClinVar:

ClinVar aggregate classification (germline): Uncertain significance. Review status: criteria provided, multiple submitters, no conflicts (2 of 4 stars). 3 submissions from 3 submitters: Uncertain significance (3). Last evaluated 2024-12-02.

Conditions:
Inborn genetic diseases. Identifiers: MedGen C0950123, MeSH D030342.

Allele frequency attached by ClinVar (database versions not stated): 1000 Genomes Project 30x 0.00031; 1000 Genomes Project 0.00040.
gnomAD v4.1: 35 of 1,613,404 alleles (0.0022%); highest among the groups gnomAD compares: African/African-American, 0.033%; no homozygotes.

Submissions (3):

Labcorp Genetics (formerly Invitae), Labcorp
Classification: Uncertain significance. Last evaluated: 2024-12-02. Review status: criteria provided, single submitter. Criteria: Invitae Variant Classification Sherloc (09022015). Collection method: clinical testing. Allele origin: germline.
Comment: This sequence change replaces aspartic acid, which is acidic and polar, with histidine, which is basic and polar, at codon 177 of the CNGB3 protein (p.Asp177His). This variant is present in population databases (rs561985484, gnomAD 0.04%). This variant has not been reported in the literature in individuals affected with CNGB3-related conditions. ClinVar contains an entry for this variant (Variation ID: 2157993). Invitae Evidence Modeling of protein sequence and biophysical properties (such as structural, functional, and spatial information, amino acid conservation, physicochemical variation, residue mobility, and thermodynamic stability) indicates that this missense variant is not expected to disrupt CNGB3 protein function with a negative predictive value of 95%. In summary, the available evidence is currently insufficient to determine the role of this variant in disease. Therefore, it has been classified as a Variant of Uncertain Significance.

Ambry Genetics
Classification: Uncertain significance for Inborn genetic diseases. Last evaluated: 2024-10-16. Review status: criteria provided, single submitter. Criteria: Ambry Variant Classification Scheme 2023. Collection method: clinical testing. Allele origin: germline.

Blueprint Genetics
Classification: Uncertain significance. Last evaluated: 2022-11-16. Review status: criteria provided, single submitter. Criteria: ACMG Guidelines, 2015. Collection method: clinical testing. Allele origin: germline.

NM_019098.5(CNGB3):c.529G>C (p.Asp177His)

Gene: CNGB3 (cyclic nucleotide gated channel subunit beta 3; minus strand). Cytogenetic location: 8q21.3.
Variant type: single nucleotide variant.
Coding change: c.529G>C on transcript NM_019098.5 (MANE Select); coding-DNA position 529, G replaced by C.
Protein change: p.Asp177His; replaces aspartic acid 177 with histidine.
Molecular consequence: missense variant.
Genome position (GRCh38, 1-based): chr8:86,668,133, C>G on the plus strand (G>C on the coding strand, the complement: CNGB3 is on the minus strand). VCF-style: chr8-86668133-C-G. GRCh37 (hg19) VCF-style: chr8-87680361-C-G.
Other names: c.529G>C (NM_019098.4); short protein forms D177H.
Identifiers: ClinVar variation 2157993 (VCV002157993.5), dbSNP rs561985484, ClinGen allele CA4800355.
Genomic context (GRCh38, chr8:86,668,133, plus strand): 5'-AAGGCATCTTTTTGACTTTGAACCACAACAGCCTGTAGTAATGTTCTGTTGGCTTATCAT[C>G]GCTTTCTTTTACTGGTGGTACAGCCGTGGGCTTTGCTTCATAGGGAAAAAAAAAAAGATG-3'
Protein context (NP_061971.3, residues 167-187): PTAVPPVKES[Asp177His]DKPTEHYYRL